The following is an entry in ClinVar:

NM_001005388.3(NFASC):c.859C>T (p.Leu287Phe)

Gene: NFASC (neurofascin; plus strand). Cytogenetic location: 1q32.1.
Variant type: single nucleotide variant.
Coding change: c.859C>T on transcript NM_001005388.3 (MANE Select); coding-DNA position 859, C replaced by T.
Protein change: p.Leu287Phe; replaces leucine 287 with phenylalanine.
Molecular consequence: missense variant. On other transcripts: non-coding transcript variant (1).
Genome position (GRCh38, 1-based): chr1:204,968,838, C>T. VCF-style: chr1-204968838-C-T. GRCh37 (hg19) VCF-style: chr1-204937966-C-T.
Other names: c.859C>T, p.Leu287Phe (NM_001005389.2, NM_001378329.1); c.892C>T, p.Leu298Phe (NM_001160331.2, NM_001160332.2, NM_001365986.1 and 3 more transcripts); c.841C>T, p.Leu281Phe (NM_001160333.2); c.859C>T (NM_001005388.2); short protein forms L281F, L287F, L298F.
Identifiers: ClinVar variation 1723741 (VCV001723741.4), dbSNP rs1391793314, ClinGen allele CA344385570.

ClinVar aggregate classification (germline): Uncertain significance. Review status: criteria provided, multiple submitters, no conflicts (2 of 4 stars). 2 submissions from 2 submitters: Uncertain significance (2). Last evaluated 2026-01-28.

Conditions:
Inborn genetic diseases. Identifiers: MedGen C0950123, MeSH D030342.

Allele frequency attached by ClinVar (database versions not stated): TOPMed below 0.00001; gnomAD 0.00001.
gnomAD v4.1: 6 of 1,613,714 alleles (0.00037%); highest among the groups gnomAD compares: Non-Finnish European, 0.00051%; no homozygotes.

Submissions (2):

GeneDx
Classification: Uncertain significance. Last evaluated: 2026-01-28. Review status: criteria provided, single submitter. Criteria: GeneDx Variant Classification Process June 2021. Collection method: clinical testing. Allele origin: germline. Affected: yes.
Comment: In silico analysis supports that this missense variant has a deleterious effect on protein structure/function; Has not been previously published as pathogenic or benign to our knowledge

Ambry Genetics
Classification: Uncertain significance for Inborn genetic diseases. Last evaluated: 2024-06-22. Review status: criteria provided, single submitter. Criteria: Ambry Variant Classification Scheme 2023. Collection method: clinical testing. Allele origin: germline.